The following is an entry in ClinVar:

NM_001927.4(DES):c.821T>G (p.Leu274Arg)

Gene: DES (desmin; plus strand). Cytogenetic location: 2q35.
Variant type: single nucleotide variant.
Coding change: c.821T>G on transcript NM_001927.4 (MANE Select); coding-DNA position 821, T replaced by G.
Protein change: p.Leu274Arg; replaces leucine 274 with arginine.
Molecular consequence: missense variant.
Genome position (GRCh38, 1-based): chr2:219,420,580, T>G. VCF-style: chr2-219420580-T-G. GRCh37 (hg19) VCF-style: chr2-220285302-T-G.
Other names: c.821T>G (LRG_380t1); short protein forms L274R.
Identifiers: ClinVar variation 66422 (VCV000066422.6), dbSNP rs267607494, ClinGen allele CA217090.
Genomic context (GRCh38, chr2:219,420,580, plus strand): 5'-TTCAGGAACAGCAGGTCCAGGTGGAGATGGACATGTCTAAGCCAGACCTCACTGCCGCCC[T>G]CAGGGACATCCGGGCTCAGTATGAGACCATCGCGGCTAAGAACATTTCTGAAGCTGAGGA-3'
Protein context (NP_001918.3, residues 264-284): DMSKPDLTAA[Leu274Arg]RDIRAQYETI

ClinVar aggregate classification (germline): Conflicting classifications of pathogenicity. Review status: criteria provided, conflicting classifications (1 of 4 stars). 3 submissions from 3 submitters: Pathogenic (1); Uncertain significance (1). 1 of the submissions does not count toward it. Last evaluated 2025-01-22.

Conditions:
Desmin-related myofibrillar myopathy (MFM1). Also called: Desminopathy; Desmin related myopathy (former name); Desmin storage myopathy (former name); MYOFIBRILLAR MYOPATHY WITH ARRHYTHMOGENIC RIGHT VENTRICULAR CARDIOMYOPATHY; DESMIN-RELATED MYOPATHY WITH ARRHYTHMOGENIC RIGHT VENTRICULAR CARDIOMYOPATHY; Myofibrillar myopathy 1. Identifiers: Orphanet 363543, Orphanet 98909, MedGen C1832370, MONDO:0011076, OMIM 601419.

Submissions (3):

Women's Health and Genetics/Laboratory Corporation of America, LabCorp
Classification: Pathogenic for Desmin-related myofibrillar myopathy. Last evaluated: 2025-01-22. Review status: criteria provided, single submitter. Criteria: LabCorp Variant Classification Summary - May 2015. Collection method: clinical testing. Allele origin: germline.
Comment: Variant summary: DES c.821T>G (p.Leu274Arg) results in a non-conservative amino acid change located in the Intermediate filament, rod domain (IPR039008) of the encoded protein sequence. Five of five in-silico tools predict a damaging effect of the variant on protein function. The variant was absent in 250358 control chromosomes. c.821T>G has been reported in the literature in multiple affected individuals from a family with autosomal dominant Desmin-related myofibrillar myopathy (e.g. Hong_2011). These data indicate that the variant is very likely to be associated with disease. At least one publication reports experimental evidence evaluating an impact on protein function and found the variant was unable to form a a cytoplasmic network when expressed in vitro and instead produced multiple desmin-positive clumps and abnormal solid aggregates (e.g. Hong_2011). The following publication has been ascertained in the context of this evaluation (PMID: 20696008). ClinVar contains an entry for this variant (Variation ID: 66422). Based on the evidence outlined above, the variant was classified as pathogenic for Desmin-related myofibrillar myopathy.

Athena Diagnostics
Classification: Uncertain significance. Last evaluated: 2019-01-28. Review status: criteria provided, single submitter. Criteria: Athena Diagnostics Criteria. Collection method: clinical testing. Allele origin: germline.

Epithelial Biology;  Institute of Medical Biology, Singapore
No classification provided. Review status: no classification provided. Collection method: not provided. Allele origin: not provided. Not counted in ClinVar's aggregate classification.

Literature cited by the submitters: PubMed 20696008 (cited by Women's Health and Genetics/Laboratory Corporation of America, LabCorp).